The following is an entry in ClinVar:

ClinVar aggregate classification (germline): Uncertain significance (1 of 4 stars; one submission).

Submission:

Dasa
Classification: Uncertain significance. Last evaluated: 2026-03-19. Review status: criteria provided, single submitter. Criteria: DASA Assertion Criteria. Collection method: clinical testing. Allele origin: germline.
Comment: NM_000090.4(COL3A1):c.769C>T (p.Pro257Ser) is a missense variant that results in the substitution of proline with serine. This variant is rare in population databases. Computational prediction algorithms are consistent with a deleterious effect. The currently available literature and clinical evidence are not sufficient to establish a definitive association between this variant and the reported condition. Therefore, this variant is classified as a variant of uncertain significance.

NM_000090.4(COL3A1):c.769C>T (p.Pro257Ser)

Gene: COL3A1 (collagen type III alpha 1 chain; plus strand). Cytogenetic location: 2q32.2.
Variant type: single nucleotide variant.
Coding change: c.769C>T on transcript NM_000090.4 (MANE Select); coding-DNA position 769, C replaced by T.
Protein change: p.Pro257Ser; replaces proline 257 with serine.
Molecular consequence: missense variant.
Genome position (GRCh38, 1-based): chr2:188,990,331, C>T. VCF-style: chr2-188990331-C-T. GRCh37 (hg19) VCF-style: chr2-189855057-C-T.
Other names: short protein forms P257S.
Identifiers: ClinVar variation 4882058 (VCV004882058.2).